The following is an entry in ClinVar:

NM_000124.4(ERCC6):c.3628A>G (p.Lys1210Glu)

Gene: ERCC6 (ERCC excision repair 6, chromatin remodeling factor; minus strand). Cytogenetic location: 10q11.23.
Variant type: single nucleotide variant.
Coding change: c.3628A>G on transcript NM_000124.4 (MANE Select); coding-DNA position 3628, A replaced by G.
Protein change: p.Lys1210Glu; replaces lysine 1210 with glutamic acid.
Molecular consequence: missense variant.
Genome position (GRCh38, 1-based): chr10:49,470,332, T>C on the plus strand (A>G on the coding strand, the complement: ERCC6 is on the minus strand). VCF-style: chr10-49470332-T-C. GRCh37 (hg19) VCF-style: chr10-50678378-T-C.
Other names: c.3628A>G, p.Lys1210Glu (NM_001346440.2); short protein forms K1210E.
Identifiers: ClinVar variation 1918768 (VCV001918768.7), dbSNP rs1421008948, ClinGen allele CA376713244.

ClinVar aggregate classification (germline): Conflicting classifications of pathogenicity. Review status: criteria provided, conflicting classifications (1 of 4 stars). 3 submissions from 3 submitters: Uncertain significance (2); Likely benign (1). Last evaluated 2024-12-23.

Conditions:
Inborn genetic diseases. Identifiers: MedGen C0950123, MeSH D030342.

Allele frequency attached by ClinVar (database versions not stated): gnomAD exomes below 0.00001; TOPMed below 0.00001; gnomAD 0.00001.

Submissions (3):

Ambry Genetics
Classification: Uncertain significance for Inborn genetic diseases. Last evaluated: 2024-12-23. Review status: criteria provided, single submitter. Criteria: Ambry Variant Classification Scheme 2023. Collection method: clinical testing. Allele origin: germline.

Labcorp Genetics (formerly Invitae), Labcorp
Classification: Likely benign. Last evaluated: 2024-11-18. Review status: criteria provided, single submitter. Criteria: Invitae Variant Classification Sherloc (09022015). Collection method: clinical testing. Allele origin: germline.

GeneDx
Classification: Uncertain significance. Last evaluated: 2023-01-17. Review status: criteria provided, single submitter. Criteria: GeneDx Variant Classification Process June 2021. Collection method: clinical testing. Allele origin: germline. Affected: yes.
Comment: In silico analysis supports that this missense variant has a deleterious effect on protein structure/function; Has not been previously published as pathogenic or benign to our knowledge